The following is an entry in ClinVar:

ClinVar aggregate classification (germline): Uncertain significance (1 of 4 stars; one submission).

Conditions:
WDR1-related disorder. Also called: WDR1-related condition.

Allele frequency attached by ClinVar (database versions not stated): gnomAD 0.00001; TOPMed 0.00001.
gnomAD v4.1: 12 of 1,612,144 alleles (0.00074%); highest among the groups gnomAD compares: Non-Finnish European, 0.00085%; no homozygotes.

Submission:

PreventionGenetics, part of Exact Sciences
Classification: Uncertain significance for WDR1-related condition. Last evaluated: 2023-06-10. Review status: criteria provided, single submitter. Criteria: ACMG Guidelines, 2015. Collection method: clinical testing. Allele origin: germline.
Comment: The WDR1 c.1186C>T variant is predicted to result in the amino acid substitution p.Arg396Trp. To our knowledge, this variant has not been reported in the literature. This variant is reported in 0.0018% of alleles in individuals of European (Non-Finnish) descent in gnomAD. At this time, the clinical significance of this variant is uncertain due to the absence of conclusive functional and genetic evidence.

NM_017491.5(WDR1):c.1186C>T (p.Arg396Trp)

Gene: WDR1 (WD repeat domain 1; minus strand). Cytogenetic location: 4p16.1.
Variant type: single nucleotide variant.
Coding change: c.1186C>T on transcript NM_017491.5 (MANE Select); coding-DNA position 1186, C replaced by T.
Protein change: p.Arg396Trp; replaces arginine 396 with tryptophan.
Molecular consequence: missense variant.
Genome position (GRCh38, 1-based): chr4:10,083,032, G>A on the plus strand (C>T on the coding strand, the complement: WDR1 is on the minus strand). VCF-style: chr4-10083032-G-A. GRCh37 (hg19) VCF-style: chr4-10084656-G-A.
Other names: c.766C>T, p.Arg256Trp (NM_005112.5); short protein forms R256W, R396W.
Identifiers: ClinVar variation 2632449 (VCV002632449.1), dbSNP rs763061734, ClinGen allele CA2857720.